The following is an entry in ClinVar:

ClinVar aggregate classification (germline): Likely pathogenic (1 of 4 stars; one submission).

Conditions:
Retinal disorder. Also called: Retinopathy; Retinopathies; Retinal Diseases; Retinal disorders. Identifiers: MedGen C0035309, MONDO:0005283, HP:0000488.

Submission:

Genetics Laboratory, Great Ormond Street Hospital NHS Foundation Trust, North Thames Genomic Laboratory Hub
Classification: Likely pathogenic for Retinal disorders. Last evaluated: 2025-08-06. Review status: criteria provided, single submitter. Criteria: ACGS Best Practice Guidelines for Variant Classification in Rare Disease 2024 v1.2. Collection method: clinical testing. Allele origin: germline. Affected: yes.
Comment: PM2_moderate, PP3_supporting, PM3_moderate, PP4_supporting

NM_198428.3(BBS9):c.2249C>G (p.Ala750Gly)

Gene: BBS9 (Bardet-Biedl syndrome 9; plus strand). Cytogenetic location: 7p14.3.
Variant type: single nucleotide variant.
Coding change: c.2249C>G on transcript NM_198428.3 (MANE Select); coding-DNA position 2249, C replaced by G.
Protein change: p.Ala750Gly; replaces alanine 750 with glycine.
Molecular consequence: missense variant. On other transcripts: non-coding transcript variant (3), intron variant (1).
Genome position (GRCh38, 1-based): chr7:33,505,596, C>G. VCF-style: chr7-33505596-C-G. GRCh37 (hg19) VCF-style: chr7-33545208-C-G.
Other names: c.2249C>G, p.Ala750Gly (NM_001348041.4, NM_001348043.3, NM_001362679.1 and 1 more transcripts); c.2114C>G, p.Ala705Gly (NM_001348042.3); c.1778C>G, p.Ala593Gly (NM_001348044.3); c.1883C>G, p.Ala628Gly (NM_001348045.3, NM_001348046.3); c.2129C>G, p.Ala710Gly (NM_014451.4, NM_001348040.3); c.1750-28358C>G (NM_001348037.3); c.2144C>G, p.Ala715Gly (NM_001033604.2); c.2234C>G, p.Ala745Gly (NM_001033605.2); and 2 more; short protein forms A593G, A624G, A628G, A659G, A705G, A710G, A715G, A745G.
Identifiers: ClinVar variation 4277325 (VCV004277325.1).
Genomic context (GRCh38, chr7:33,505,596, plus strand): 5'-CCACCCATTTGGTGATTCTGCTGATCGCGCTGTGGCAGAAGCTTAGTGCTGACCAGGTTG[C>G]TATTCTGGAAGCGGCATTTCTGCCGCTACAAGAAGACACTCAAGAATTGGTAAGGACCTG-3'
Protein context (NP_940820.1, residues 740-760): LWQKLSADQV[Ala750Gly]ILEAAFLPLQ